The following is an entry in ClinVar:

NM_002635.4(SLC25A3):c.50C>T (p.Pro17Leu)

Gene: SLC25A3 (solute carrier family 25 member 3; plus strand). Cytogenetic location: 12q23.1.
Variant type: single nucleotide variant.
Coding change: c.50C>T on transcript NM_002635.4 (MANE Select); coding-DNA position 50, C replaced by T.
Protein change: p.Pro17Leu; replaces proline 17 with leucine.
Molecular consequence: missense variant.
Genome position (GRCh38, 1-based): chr12:98,594,028, C>T. VCF-style: chr12-98594028-C-T. GRCh37 (hg19) VCF-style: chr12-98987806-C-T.
Other names: c.50C>T, p.Pro17Leu (NM_005888.4, NM_213611.3); short protein forms P17L.
Identifiers: ClinVar variation 2052914 (VCV002052914.2), dbSNP rs1269046637, ClinGen allele CA386161594.
Genomic context (GRCh38, chr12:98,594,028, plus strand): 5'-CCCCTAGAAAGATGTTCTCGTCCGTGGCGCACCTGGCGCGGGCGAACCCCTTCAACACGC[C>T]ACATCTGCAGCTGGTGCACGATGGTCTCGGGGACCTCCGCAGCAGCTCCCCAGGGCCCAC-3'
Protein context (NP_002626.1, residues 7-27): HLARANPFNT[Pro17Leu]HLQLVHDGLG

ClinVar aggregate classification (germline): Uncertain significance (1 of 4 stars; one submission).

Allele frequency attached by ClinVar (database versions not stated): gnomAD exomes below 0.00001; TOPMed below 0.00001; gnomAD 0.00001.
gnomAD v4.1: 5 of 1,613,642 alleles (0.00031%); highest among the groups gnomAD compares: Admixed American, 0.0083%; no homozygotes.

Submission:

Labcorp Genetics (formerly Invitae), Labcorp
Classification: Uncertain significance. Last evaluated: 2022-11-15. Review status: criteria provided, single submitter. Criteria: Invitae Variant Classification Sherloc (09022015). Collection method: clinical testing. Allele origin: germline.
Comment: In summary, the available evidence is currently insufficient to determine the role of this variant in disease. Therefore, it has been classified as a Variant of Uncertain Significance. Algorithms developed to predict the effect of missense changes on protein structure and function are either unavailable or do not agree on the potential impact of this missense change (SIFT: "Deleterious"; PolyPhen-2: "Probably Damaging"; Align-GVGD: "Class C0"). This variant has not been reported in the literature in individuals affected with SLC25A3-related conditions. This variant is present in population databases (no rsID available, gnomAD 0.01%). This sequence change replaces proline, which is neutral and non-polar, with leucine, which is neutral and non-polar, at codon 17 of the SLC25A3 protein (p.Pro17Leu).